The following is an entry in ClinVar:

ClinVar aggregate classification (germline): Pathogenic. Review status: criteria provided, multiple submitters, no conflicts (2 of 4 stars). 5 submissions from 5 submitters: Pathogenic (3). 2 of the submissions do not count toward it. Last evaluated 2023-09-12.

Conditions:
Retinal dystrophy. Also called: Inherited retinal dystrophy. Identifiers: Orphanet 71862, MedGen C0854723, MeSH D058499, MONDO:0019118, HP:0000556.
Bardet-Biedl syndrome (BBS). Identifiers: Orphanet 110, MedGen C0752166, MONDO:0015229.
Bardet-Biedl syndrome 10 (BBS10). Identifiers: Orphanet 110, MedGen C1859568, MONDO:0014438, OMIM 615987.

Submissions (5):

Labcorp Genetics (formerly Invitae), Labcorp
Classification: Pathogenic for Bardet-Biedl syndrome. Last evaluated: 2023-09-12. Review status: criteria provided, single submitter. Criteria: Invitae Variant Classification Sherloc (09022015). Collection method: clinical testing. Allele origin: germline.
Comment: This sequence change creates a premature translational stop signal (p.Arg256*) in the BBS10 gene. While this is not anticipated to result in nonsense mediated decay, it is expected to disrupt the last 468 amino acid(s) of the BBS10 protein. This variant is not present in population databases (gnomAD no frequency). This variant has not been reported in the literature in individuals affected with BBS10-related conditions. ClinVar contains an entry for this variant (Variation ID: 551609). Experimental studies and prediction algorithms are not available or were not evaluated, and the functional significance of this variant is currently unknown. This variant disrupts a region of the BBS10 protein in which other variant(s) (p.Val707*) have been determined to be pathogenic (PMID: 20472660, 22773737, 25982971, 27486776). This suggests that this is a clinically significant region of the protein, and that variants that disrupt it are likely to be disease-causing. For these reasons, this variant has been classified as Pathogenic.

Institute of Medical Genetics and Applied Genomics, University Hospital Tübingen
Classification: Pathogenic for Bardet-Biedl syndrome. Last evaluated: 2023-07-17. Review status: criteria provided, single submitter. Criteria: ACMG Guidelines, 2015. Collection method: clinical testing. Allele origin: germline. Inheritance: Autosomal recessive inheritance. Affected: yes.

SN ONGC Dept of Genetics and Molecular biology Vision Research Foundation
Classification: Pathogenic for Bardet-Biedl syndrome. Review status: criteria provided, single submitter. Criteria: ACMG Guidelines, 2015. Collection method: research. Allele origin: biparental. Affected: yes.

Institute of Human Genetics, Univ. Regensburg, Univ. Regensburg
Classification: Pathogenic for Retinal dystrophy. Last evaluated: 2023-01-01. Review status: no assertion criteria provided. Criteria: ACMG Guidelines, 2015. Collection method: clinical testing. Allele origin: germline. Affected: yes. Not counted in ClinVar's aggregate classification.

Counsyl
Classification: Likely pathogenic for Bardet-Biedl syndrome 10. Last evaluated: 2017-04-20. Review status: no assertion criteria provided. Collection method: clinical testing. Allele origin: unknown. Not counted in ClinVar's aggregate classification.

Literature cited by the submitters: PubMed 20472660 (cited by Labcorp Genetics (formerly Invitae), Labcorp); PubMed 22773737 (cited by Labcorp Genetics (formerly Invitae), Labcorp); PubMed 25982971 (cited by Labcorp Genetics (formerly Invitae), Labcorp); PubMed 27486776 (cited by Labcorp Genetics (formerly Invitae), Labcorp).

NM_024685.4(BBS10):c.766C>T (p.Arg256Ter)

Genes: BBS10 (Bardet-Biedl syndrome 10; minus strand), OSBPL8 (oxysterol binding protein like 8; minus strand). Cytogenetic location: 12q21.2.
Variant type: single nucleotide variant.
Coding change: c.766C>T on transcript NM_024685.4 (MANE Select); coding-DNA position 766, C replaced by T.
Protein change: p.Arg256Ter; replaces arginine 256 with a stop codon.
Molecular consequence: nonsense.
Genome position (GRCh38, 1-based): chr12:76,347,219, G>A on the plus strand (C>T on the coding strand, the complement: BBS10 is on the minus strand). VCF-style: chr12-76347219-G-A. GRCh37 (hg19) VCF-style: chr12-76740999-G-A.
Other names: c.766C>T, p.Arg256Ter (LRG_1255t1); short protein forms R256*.
Identifiers: ClinVar variation 551609 (VCV000551609.14), dbSNP rs1156913215, ClinGen allele CA501144.
Genomic context (GRCh38, chr12:76,347,219, plus strand): 5'-TAAACTCTGATCCAGAAGTGGAAAAAAGAGGCTGAATGGTTTCTGTTACTATCACCATTC[G>A]CATGTCACCATCTGCTGGGCGGTACACAGAAAAATCTTTCTGAAGCACAAGACCAGCTAT-3'